The following is an entry in ClinVar:

ClinVar aggregate classification (germline): Uncertain significance (1 of 4 stars; one submission).

Allele frequency attached by ClinVar (database versions not stated): gnomAD exomes below 0.00001; gnomAD 0.00001; ExAC 0.00002; 1000 Genomes Project 30x 0.00016; 1000 Genomes Project 0.00020.
gnomAD v4.1: 4 of 1,614,124 alleles (0.00025%); highest among the groups gnomAD compares: African/African-American, 0.0053%; no homozygotes.

Submission:

Labcorp Genetics (formerly Invitae), Labcorp
Classification: Uncertain significance. Last evaluated: 2025-12-27. Review status: criteria provided, single submitter. Criteria: Invitae Variant Classification Sherloc (09022015). Collection method: clinical testing. Allele origin: germline.
Comment: This sequence change falls in intron 3 of the MTMR14 gene. It does not directly change the encoded amino acid sequence of the MTMR14 protein. It affects a nucleotide within the consensus splice site. This variant is present in population databases (rs150367672, gnomAD 0.01%). This variant has not been reported in the literature in individuals affected with MTMR14-related conditions. ClinVar contains an entry for this variant (Variation ID: 2065448). Variants that disrupt the consensus splice site are a relatively common cause of aberrant splicing (PMID: 17576681, 9536098). Algorithms developed to predict the effect of sequence changes on RNA splicing suggest that this variant may disrupt the consensus splice site. In summary, the available evidence is currently insufficient to determine the role of this variant in disease. Therefore, it has been classified as a Variant of Uncertain Significance.

Literature cited by the submitters: PubMed 17576681; PubMed 9536098.

NM_001077525.3(MTMR14):c.418-3C>A

Gene: MTMR14 (myotubularin related protein 14; plus strand). Cytogenetic location: 3p25.3.
Variant type: single nucleotide variant.
Coding change: c.418-3C>A on transcript NM_001077525.3 (MANE Select); 3 bases into the intron before coding-DNA position 418, C replaced by A.
Molecular consequence: intron variant.
Genome position (GRCh38, 1-based): chr3:9,668,716, C>A. VCF-style: chr3-9668716-C-A. GRCh37 (hg19) VCF-style: chr3-9710400-C-A.
Other names: c.487-3C>A (NM_001400518.1, NM_001400521.1, NM_001400526.1); c.-149-716C>A (NM_001400542.1, NM_001400534.1, NM_001400541.1 and 4 more transcripts); c.418-3C>A (NM_001077526.3, NM_022485.5, NM_001400520.1 and 4 more transcripts); c.-298-3C>A (NM_001400547.1); c.-222-716C>A (NM_001400548.1); c.-88-2332C>A (NM_001400533.1, NM_001400539.1, NM_001400545.1 and 1 more transcripts); c.-161-2332C>A (NM_001400544.1, NM_001400550.1); c.-225-3C>A (NM_001400540.1); and 3 more.
Identifiers: ClinVar variation 2065448 (VCV002065448.4), dbSNP rs150367672, ClinGen allele CA2240291.
Genomic context (GRCh38, chr3:9,668,716, plus strand): 5'-GTTCCTTCAACTGTGCATGCTTCAGAAAACCATCTGACCGTGAAAATGATGTTTCTCTCC[C>A]AGCACATTTGCAGGTCGGCCACACTGGCTGGATGGGGAGAGCTGTATGGACGCTCAGGCT-3'